The following is an entry in ClinVar:

NM_001384474.1(LOXHD1):c.2734G>A (p.Glu912Lys)

Gene: LOXHD1 (lipoxygenase homology PLAT domains 1; minus strand). Cytogenetic location: 18q21.1.
Variant type: single nucleotide variant.
Coding change: c.2734G>A on transcript NM_001384474.1 (MANE Select); coding-DNA position 2734, G replaced by A.
Protein change: p.Glu912Lys; replaces glutamic acid 912 with lysine.
Molecular consequence: missense variant.
Genome position (GRCh38, 1-based): chr18:46,560,410, C>T on the plus strand (G>A on the coding strand, the complement: LOXHD1 is on the minus strand). VCF-style: chr18-46560410-C-T. GRCh37 (hg19) VCF-style: chr18-44140373-C-T.
Other names: c.2734G>A, p.Glu912Lys (NM_144612.7); short protein forms E912K.
Identifiers: ClinVar variation 5041333 (VCV005041333.1).
Genomic context (GRCh38, chr18:46,560,410, plus strand): 5'-GCCGCTCCTTCTTGAGCAGCTGCCGCAGCTTGTCCTTCTCCTTCTTCTTCCGGGCCTCCT[C>T]CTCCGGCGTGAGGTCCACCTCCCGCACCACCAGGTGCCGCAGCCACACGGTGTCCACGAA-3'
Protein context (NP_001371403.1, residues 902-922): VVREVDLTPE[Glu912Lys]EARKKKEKDK

ClinVar aggregate classification (germline): Uncertain significance (1 of 4 stars; one submission).

gnomAD v4.1: 4 of 1,549,430 alleles (0.00026%); highest among the groups gnomAD compares: South Asian, 0.0012%; no homozygotes.

Submission:

CeGaT Center for Human Genetics Tuebingen
Classification: Uncertain significance. Last evaluated: 2026-09-01. Review status: criteria provided, single submitter. Criteria: CeGaT Center For Human Genetics Tuebingen Variant Classification Criteria Version 2. Collection method: clinical testing. Allele origin: germline. Affected: yes. Observed: 1 variant allele.
Comment: LOXHD1: PM2, BP4